The following is an entry in ClinVar:

ClinVar aggregate classification (germline): Likely benign (1 of 4 stars; one submission).

Conditions:
CHD7-related CHARGE syndrome. Identifiers: MedGen CN380413, MONDO:1010178, OMIM 214800.

Submission:

Centre for Medical Genetics,  Mumbai
Classification: Likely benign for CHD7-related CHARGE syndrome. Last evaluated: 2026-03-23. Review status: criteria provided, single submitter. Criteria: ACMG Guidelines, 2015. Collection method: provider interpretation. Allele origin: germline. Inheritance: Autosomal dominant inheritance. Affected: no. Observed: 1 variant allele, 1 heterozygote.
Comment: The variant satisfies PM2 criteria; Extremely low frequency in gnomAD population databases. The variant satisfies PP3 criteria; For a missense or a splicing region variant, computational prediction tools unanimously support a deleterious effect on the gene. The variant satisfies PP2 criteria; Missense variant in a gene with low rate of benign missense mutations and for which missense mutation is a common mechanism of a disease. However, the variant satisfies BS2 criteria.

Literature cited by the submitters: PubMed 15300250.

NM_017780.4(CHD7):c.5465G>A (p.Gly1822Asp)

Gene: CHD7 (chromodomain helicase DNA binding protein 7; plus strand). Cytogenetic location: 8q12.2.
Variant type: single nucleotide variant.
Coding change: c.5465G>A on transcript NM_017780.4 (MANE Select); coding-DNA position 5465, G replaced by A.
Protein change: p.Gly1822Asp; replaces glycine 1822 with aspartic acid.
Molecular consequence: missense variant. On other transcripts: intron variant (1).
Genome position (GRCh38, 1-based): chr8:60,850,553, G>A. VCF-style: chr8-60850553-G-A. GRCh37 (hg19) VCF-style: chr8-61763112-G-A.
Other names: c.1717-11676G>A (NM_001316690.1); short protein forms G1822D.
Identifiers: ClinVar variation 4820304 (VCV004820304.1).